The following is an entry in ClinVar:

NM_052947.4(ALPK2):c.6203T>G (p.Val2068Gly)

Gene: ALPK2 (alpha kinase 2; minus strand). Cytogenetic location: 18q21.31.
Variant type: single nucleotide variant.
Coding change: c.6203T>G on transcript NM_052947.4 (MANE Select); coding-DNA position 6203, T replaced by G.
Protein change: p.Val2068Gly; replaces valine 2068 with glycine.
Molecular consequence: missense variant.
Genome position (GRCh38, 1-based): chr18:58,503,975, A>C on the plus strand (T>G on the coding strand, the complement: ALPK2 is on the minus strand). VCF-style: chr18-58503975-A-C. GRCh37 (hg19) VCF-style: chr18-56171207-A-C.
Other names: short protein forms V2068G.
Identifiers: ClinVar variation 3290821 (VCV003290821.1).

ClinVar aggregate classification (germline): Uncertain significance (1 of 4 stars; one submission).

Submission:

Ambry Genetics
Classification: Uncertain significance. Last evaluated: 2024-06-23. Review status: criteria provided, single submitter. Criteria: Ambry Variant Classification Scheme 2023. Collection method: clinical testing. Allele origin: germline.
Comment: The p.V2068G variant (also known as c.6203T>G), located in coding exon 10 of the ALPK2 gene, results from a T to G substitution at nucleotide position 6203. The valine at codon 2068 is replaced by glycine, an amino acid with dissimilar properties. This amino acid position is conserved. In addition, the in silico prediction for this alteration is inconclusive. Based on the available evidence, the clinical significance of this variant remains unclear.